The following is an entry in ClinVar:

NM_080680.3(COL11A2):c.2993G>A (p.Gly998Glu)

Gene: COL11A2 (collagen type XI alpha 2 chain; minus strand). Cytogenetic location: 6p21.32.
Variant type: single nucleotide variant.
Coding change: c.2993G>A on transcript NM_080680.3 (MANE Select); coding-DNA position 2993, G replaced by A.
Protein change: p.Gly998Glu; replaces glycine 998 with glutamic acid.
Molecular consequence: missense variant.
Genome position (GRCh38, 1-based): chr6:33,172,099, C>T on the plus strand (G>A on the coding strand, the complement: COL11A2 is on the minus strand). VCF-style: chr6-33172099-C-T. GRCh37 (hg19) VCF-style: chr6-33139876-C-T.
Other names: c.2813G>A, p.Gly938Glu (NM_001424108.1); c.2147G>A, p.Gly716Glu (NM_001424109.1); c.1967G>A, p.Gly656Glu (NM_001424110.1, NM_001424111.1); c.947G>A, p.Gly316Glu (NM_001424112.1); c.2672G>A, p.Gly891Glu (NM_080679.3); c.2735G>A, p.Gly912Glu (NM_080681.3); short protein forms G656E, G998E, G716E, G912E, G316E, G891E, G938E.
Identifiers: ClinVar variation 3635248 (VCV003635248.2).
Genomic context (GRCh38, chr6:33,172,099, plus strand): 5'-CCCAGACTCACTGCAGGGCCAGGGGGGCCAGACGGACCTTCATTCCCCTTCAAACCAGGT[C>T]CACCCTATGAACCAGACATTTGGGGAAGATGAGACTTCACGAAAAGAGAAGGGTGAGAGC-3'
Protein context (NP_542411.2, residues 988-1008): GERGLPGTAG[Gly998Glu]PGLKGNEGPS

ClinVar aggregate classification (germline): Uncertain significance (1 of 4 stars; one submission).

Submission:

Labcorp Genetics (formerly Invitae), Labcorp
Classification: Uncertain significance. Last evaluated: 2024-02-25. Review status: criteria provided, single submitter. Criteria: Invitae Variant Classification Sherloc (09022015). Collection method: clinical testing. Allele origin: germline.
Comment: This sequence change replaces glycine, which is neutral and non-polar, with glutamic acid, which is acidic and polar, at codon 998 of the COL11A2 protein (p.Gly998Glu). This variant is not present in population databases (gnomAD no frequency). This variant has not been reported in the literature in individuals affected with COL11A2-related conditions. Advanced modeling of protein sequence and biophysical properties (such as structural, functional, and spatial information, amino acid conservation, physicochemical variation, residue mobility, and thermodynamic stability) performed at Invitae indicates that this missense variant is not expected to disrupt COL11A2 protein function with a negative predictive value of 95%. In summary, the available evidence is currently insufficient to determine the role of this variant in disease. Therefore, it has been classified as a Variant of Uncertain Significance.